The following is an entry in ClinVar:

NM_001347721.2(DYRK1A):c.1690G>A (p.Ala564Thr)

Gene: DYRK1A (dual specificity tyrosine phosphorylation regulated kinase 1A; plus strand). Cytogenetic location: 21q22.13.
Variant type: single nucleotide variant.
Coding change: c.1690G>A on transcript NM_001347721.2 (MANE Select); coding-DNA position 1690, G replaced by A.
Protein change: p.Ala564Thr; replaces alanine 564 with threonine.
Molecular consequence: missense variant. On other transcripts: 3 prime UTR variant (2).
Genome position (GRCh38, 1-based): chr21:37,511,956, G>A. VCF-style: chr21-37511956-G-A. GRCh37 (hg19) VCF-style: chr21-38884259-G-A.
Other names: c.1690G>A, p.Ala564Thr (NM_001347722.2, NM_130436.2); c.1603G>A, p.Ala535Thr (NM_001347723.2); c.1717G>A, p.Ala573Thr (NM_001396.5); c.*93G>A (NM_101395.2); c.*2G>A (NM_130438.2); short protein forms A535T, A564T, A573T.
Identifiers: ClinVar variation 3375732 (VCV003375732.1).

ClinVar aggregate classification (germline): Uncertain significance (1 of 4 stars; one submission).

Submission:

GeneDx
Classification: Uncertain significance. Last evaluated: 2024-05-07. Review status: criteria provided, single submitter. Criteria: GeneDx Variant Classification Process June 2021. Collection method: clinical testing. Allele origin: germline. Affected: yes.
Comment: Not observed at significant frequency in large population cohorts (gnomAD); In silico analysis indicates that this missense variant does not alter protein structure/function; Has not been previously published as pathogenic or benign to our knowledge